The following is an entry in ClinVar:

ClinVar aggregate classification (germline): Uncertain significance (1 of 4 stars; one submission).

Conditions:
Myofibrillar myopathy 6. Identifiers: Orphanet 199340, MedGen C2751831, MONDO:0013061, OMIM 612954.
Dilated cardiomyopathy 1HH (CMD1HH). Identifiers: Orphanet 154, MedGen C3151293, MONDO:0013479, OMIM 613881.

Submission:

Labcorp Genetics (formerly Invitae), Labcorp
Classification: Uncertain significance for Dilated cardiomyopathy 1HH; Myofibrillar myopathy 6. Last evaluated: 2020-07-19. Review status: criteria provided, single submitter. Criteria: Invitae Variant Classification Sherloc (09022015). Collection method: clinical testing. Allele origin: germline.
Comment: Algorithms developed to predict the effect of missense changes on protein structure and function are either unavailable or do not agree on the potential impact of this missense change (SIFT: "Tolerated"; PolyPhen-2: "Possibly Damaging"; Align-GVGD: "Class C0"). In summary, the available evidence is currently insufficient to determine the role of this variant in disease. Therefore, it has been classified as a Variant of Uncertain Significance. This variant has not been reported in the literature in individuals with BAG3-related conditions. This sequence change replaces proline with arginine at codon 327 of the BAG3 protein (p.Pro327Arg). The proline residue is moderately conserved and there is a moderate physicochemical difference between proline and arginine. This variant is not present in population databases (ExAC no frequency).

NM_004281.4(BAG3):c.980C>G (p.Pro327Arg)

Gene: BAG3 (BAG cochaperone 3; plus strand). Cytogenetic location: 10q26.11.
Variant type: single nucleotide variant.
Coding change: c.980C>G on transcript NM_004281.4 (MANE Select); coding-DNA position 980, C replaced by G.
Protein change: p.Pro327Arg; replaces proline 327 with arginine.
Molecular consequence: missense variant.
Genome position (GRCh38, 1-based): chr10:119,676,534, C>G. VCF-style: chr10-119676534-C-G. GRCh37 (hg19) VCF-style: chr10-121436046-C-G.
Other names: short protein forms P327R.
Identifiers: ClinVar variation 1047116 (VCV001047116.8), dbSNP rs1847236737, ClinGen allele CA378296394.